The following is an entry in ClinVar:

ClinVar aggregate classification (germline): Uncertain significance. Review status: criteria provided, multiple submitters, no conflicts (2 of 4 stars). 4 submissions from 4 submitters: Uncertain significance (4). Last evaluated 2021-07-30.

Conditions:
Cardiovascular phenotype. Identifiers: MedGen CN230736.
Autosomal recessive limb-girdle muscular dystrophy type 2J (LGMDR10). Also called: Limb-girdle muscular dystrophy, type 2J; MUSCULAR DYSTROPHY, LIMB-GIRDLE, AUTOSOMAL RECESSIVE 10. Identifiers: Orphanet 140922, MedGen C1837342, MONDO:0012127, OMIM 608807.
Dilated cardiomyopathy 1G (CMD1G). Identifiers: Orphanet 154, MedGen C1858763, MONDO:0011400, OMIM 604145.
Myopathy, myofibrillar, 9, with early respiratory failure (MFM9). Also called: EDSTROM MYOPATHY; MYOPATHY, PROXIMAL, WITH EARLY RESPIRATORY MUSCLE INVOLVEMENT; Hereditary myopathy with early respiratory failure; Myopathy, distal, with early respiratory failure, autosomal dominant. Identifiers: Orphanet 178464, Orphanet 34521, MedGen C1863599, MONDO:0011362, OMIM 603689.
Hypertrophic cardiomyopathy 9. Also called: Familial hypertrophic cardiomyopathy 9. Identifiers: MedGen C1861065, MONDO:0013412, OMIM 613765.
Early-onset myopathy with fatal cardiomyopathy (CMYO5). Also called: Salih Myopathy; CONGENITAL MYOPATHY 5 WITH CARDIOMYOPATHY. Identifiers: Orphanet 289377, MedGen C2673677, MONDO:0012714, OMIM 611705. Disease mechanism: loss of function.
Tibial muscular dystrophy (TMD). Also called: UDD MYOPATHY; Tibial muscular dystrophy, tardive; Udd Distal Myopathy – Tibial Muscular Dystrophy. Identifiers: Orphanet 609, MedGen C1838244, MONDO:0010870, OMIM 600334.

Allele frequency attached by ClinVar (database versions not stated): ExAC 0.00002; gnomAD 0.00002; gnomAD exomes 0.00002 and 0.00007; TOPMed 0.00003; ESP Exome Variant Server 0.00008.
gnomAD v4.1: 101 of 1,613,080 alleles (0.0063%); highest among the groups gnomAD compares: Non-Finnish European, 0.0081%; no homozygotes.

Submissions (4):

Department of Pathology and Laboratory Medicine, Sinai Health System
Classification: Uncertain significance for Tibial muscular dystrophy; Myopathy, myofibrillar, 9, with early respiratory failure; Dilated cardiomyopathy 1G; Autosomal recessive limb-girdle muscular dystrophy type 2J; Early-onset myopathy with fatal cardiomyopathy; Hypertrophic cardiomyopathy 9. Last evaluated: 2021-07-30. Review status: criteria provided, single submitter. Criteria: ACMG Guidelines, 2015. Collection method: research. Allele origin: germline.

Revvity Omics, Revvity
Classification: Uncertain significance. Last evaluated: 2020-02-10. Review status: criteria provided, single submitter. Criteria: ACMG Guidelines, 2015. Collection method: clinical testing. Allele origin: germline.

Ambry Genetics
Classification: Uncertain significance for Cardiovascular phenotype. Last evaluated: 2019-12-20. Review status: criteria provided, single submitter. Criteria: Ambry Variant Classification Scheme 2023. Collection method: clinical testing. Allele origin: germline.
Comment: The p.S24555T variant (also known as c.73664G>C), located in coding exon 185 of the TTN gene, results from a G to C substitution at nucleotide position 73664. The serine at codon 24555 is replaced by threonine, an amino acid with similar properties. This amino acid position is well conserved in available vertebrate species. In addition, this alteration is predicted to be tolerated by in silico analysis. Since supporting evidence is limited at this time, the clinical significance of this alteration remains unclear.

Athena Diagnostics
Classification: Uncertain significance. Last evaluated: 2017-07-05. Review status: criteria provided, single submitter. Criteria: Athena Diagnostics Criteria. Collection method: clinical testing. Allele origin: germline.

NM_001267550.2(TTN):c.100859G>C (p.Ser33620Thr)

Genes: TTN (titin; minus strand), TTN-AS1 (TTN antisense RNA 1; plus strand). Cytogenetic location: 2q31.2.
Variant type: single nucleotide variant.
Coding change: c.100859G>C on transcript NM_001267550.2 (MANE Select); coding-DNA position 100859, G replaced by C.
Protein change: p.Ser33620Thr; replaces serine 33620 with threonine.
Molecular consequence: missense variant. On other transcripts: non-coding transcript variant (1).
Genome position (GRCh38, 1-based): chr2:178,535,756, C>G on the plus strand (G>C on the coding strand, the complement: TTN is on the minus strand). VCF-style: chr2-178535756-C-G. GRCh37 (hg19) VCF-style: chr2-179400483-C-G.
Other names: c.100859G>C (LRG_391t1); c.95936G>C, p.Ser31979Thr (NM_001256850.1); c.73664G>C, p.Ser24555Thr (NM_003319.4); c.93155G>C, p.Ser31052Thr (NM_133378.4); c.74039G>C, p.Ser24680Thr (NM_133432.3); c.74240G>C, p.Ser24747Thr (NM_133437.4); short protein forms S33620T, S24555T, S24680T, S31052T, S31979T, S24747T.
Identifiers: ClinVar variation 448762 (VCV000448762.7), dbSNP rs369261182, ClinGen allele CA1985971.